The following is an entry in ClinVar:

NM_001009944.3(PKD1):c.8604A>G (p.Ser2868=)

Gene: PKD1 (polycystin 1, transient receptor potential channel interacting; minus strand). Cytogenetic location: 16p13.3.
Variant type: single nucleotide variant.
Coding change: c.8604A>G on transcript NM_001009944.3 (MANE Select); coding-DNA position 8604, A replaced by G.
Protein change: p.Ser2868=; no amino-acid change (serine 2868 retained).
Molecular consequence: synonymous variant.
Genome position (GRCh38, 1-based): chr16:2,103,453, T>C on the plus strand (A>G on the coding strand, the complement: PKD1 is on the minus strand). VCF-style: chr16-2103453-T-C. GRCh37 (hg19) VCF-style: chr16-2153454-T-C.
Other names: c.8604A>G, p.Ser2868= (NM_000296.4).
Identifiers: ClinVar variation 4927698 (VCV004927698.2).

ClinVar aggregate classification (germline): Likely benign. Review status: criteria provided, multiple submitters, no conflicts (2 of 4 stars). 2 submissions from 2 submitters: Likely benign (2). Last evaluated 2026-08-17.

Conditions:
PKD1-related disorder. Also called: PKD1-related condition.

Submissions (2):

PreventionGenetics, part of Exact Sciences
Classification: Likely benign for PKD1-related condition. Last evaluated: 2026-08-17. Review status: criteria provided, single submitter. Criteria: ACMG Guidelines, 2015. Collection method: clinical testing. Allele origin: germline.
Comment: This variant is classified as likely benign based on ACMG/AMP sequence variant interpretation guidelines (Richards et al. 2015 PMID: 25741868, with internal and published modifications).

Blueprint Genetics
Classification: Likely benign. Last evaluated: 2020-02-11. Review status: criteria provided, single submitter. Criteria: ACMG Guidelines, 2015. Collection method: clinical testing. Allele origin: germline.